The following is an entry in ClinVar:

ClinVar aggregate classification (germline): Uncertain significance. Review status: criteria provided, multiple submitters, no conflicts (2 of 4 stars). 3 submissions from 3 submitters: Uncertain significance (3). Last evaluated 2021-08-19.

Conditions:
Hereditary macular dystrophy. Also called: Genetic macular dystrophy. Identifiers: MedGen C0339508, MONDO:0020242.

Allele frequency attached by ClinVar (database versions not stated): ExAC 0.00001; gnomAD exomes 0.00002; gnomAD 0.00003; TOPMed 0.00003.
gnomAD v4.1: 63 of 1,614,074 alleles (0.0039%); highest among the groups gnomAD compares: Non-Finnish European, 0.0047%; no homozygotes.

Submissions (3):

Labcorp Genetics (formerly Invitae), Labcorp
Classification: Uncertain significance. Last evaluated: 2021-08-19. Review status: criteria provided, single submitter. Criteria: Invitae Variant Classification Sherloc (09022015). Collection method: clinical testing. Allele origin: germline.
Comment: Algorithms developed to predict the effect of missense changes on protein structure and function are either unavailable or do not agree on the potential impact of this missense change (SIFT: "Tolerated"; PolyPhen-2: "Possibly Damaging"; Align-GVGD: "Class C0"). This variant has not been reported in the literature in individuals with TRPM1-related conditions. This variant is present in population databases (rs753584603, ExAC 0.001%). This sequence change replaces threonine with methionine at codon 1468 of the TRPM1 protein (p.Thr1468Met). The threonine residue is moderately conserved and there is a moderate physicochemical difference between threonine and methionine. In summary, the available evidence is currently insufficient to determine the role of this variant in disease. Therefore, it has been classified as a Variant of Uncertain Significance.

Blueprint Genetics
Classification: Uncertain significance. Last evaluated: 2019-09-24. Review status: criteria provided, single submitter. Criteria: ACMG Guidelines, 2015. Collection method: clinical testing. Allele origin: germline.

Cambridge Genomics Laboratory, East Genomic Laboratory Hub, NHS Genomic Medicine Service
Classification: Uncertain significance for Hereditary macular dystrophy. Last evaluated: 2019-04-17. Review status: criteria provided, single submitter. Criteria: ACGS Best Practice Guidelines for Variant Classification in Rare Disease 2020. Collection method: clinical testing. Allele origin: germline. Affected: yes. Observed: 1 variant allele.

NM_001252024.2(TRPM1):c.4469C>T (p.Thr1490Met)

Gene: TRPM1 (transient receptor potential cation channel subfamily M member 1; minus strand). Cytogenetic location: 15q13.3.
Variant type: single nucleotide variant.
Coding change: c.4469C>T on transcript NM_001252024.2 (MANE Select); coding-DNA position 4469, C replaced by T.
Protein change: p.Thr1490Met; replaces threonine 1490 with methionine.
Molecular consequence: missense variant.
Genome position (GRCh38, 1-based): chr15:31,002,231, G>A on the plus strand (C>T on the coding strand, the complement: TRPM1 is on the minus strand). VCF-style: chr15-31002231-G-A. GRCh37 (hg19) VCF-style: chr15-31294434-G-A.
Other names: c.4520C>T, p.Thr1507Met (NM_001252020.2); c.4403C>T, p.Thr1468Met (NM_002420.6); short protein forms T1490M, T1507M, T1468M.
Identifiers: ClinVar variation 1496774 (VCV001496774.10), dbSNP rs753584603, ClinGen allele CA7451636.